The following is an entry in ClinVar:

NM_000051.4(ATM):c.3435T>C (p.Asp1145=)

Gene: ATM (ATM serine/threonine kinase; plus strand). Cytogenetic location: 11q22.3.
Variant type: single nucleotide variant.
Coding change: c.3435T>C on transcript NM_000051.4 (MANE Select); coding-DNA position 3435, T replaced by C.
Protein change: p.Asp1145=; no amino-acid change (aspartic acid 1145 retained).
Molecular consequence: synonymous variant.
Genome position (GRCh38, 1-based): chr11:108,281,027, T>C. VCF-style: chr11-108281027-T-C. GRCh37 (hg19) VCF-style: chr11-108151754-T-C.
Other names: c.3435T>C, p.Asp1145= (NM_001351834.2).
Identifiers: ClinVar variation 1560948 (VCV001560948.11), dbSNP rs2082204446, ClinGen allele CA476672797.

ClinVar aggregate classification (germline): Benign/Likely benign. Review status: criteria provided, multiple submitters, no conflicts (2 of 4 stars). 3 submissions from 3 submitters: Benign (1); Likely benign (2). Last evaluated 2024-08-15.

Conditions:
Hereditary cancer-predisposing syndrome. Also called: Neoplastic Syndromes, Hereditary; Hereditary Cancer Syndrome; Hereditary neoplastic syndrome; Tumor predisposition. Identifiers: Orphanet 140162, MedGen C0027672, MeSH D009386, MONDO:0015356.
Familial cancer of breast. Also called: hereditary breast carcinoma; BREAST CANCER, FAMILIAL; Hereditary breast cancer. Identifiers: Orphanet 227535, MedGen C0346153, MONDO:0016419, OMIM 114480. Disease mechanism: loss of function.
Ataxia-telangiectasia syndrome (AT). Also called: Cerebello-oculocutaneous telangiectasia; Immunodeficiency with ataxia telangiectasia; LOUIS-BAR SYNDROME; Ataxia-telangiectasia, complementation group D; AT, COMPLEMENTATION GROUP C; Ataxia-telangiectasia. Identifiers: Orphanet 100, MedGen C0004135, MONDO:0008840, OMIM 208900.

Submissions (3):

Labcorp Genetics (formerly Invitae), Labcorp
Classification: Likely benign for Ataxia-telangiectasia syndrome. Last evaluated: 2024-08-15. Review status: criteria provided, single submitter. Criteria: Invitae Variant Classification Sherloc (09022015). Collection method: clinical testing. Allele origin: germline.

Myriad Genetics, Inc.
Classification: Benign for Familial cancer of breast. Last evaluated: 2024-05-14. Review status: criteria provided, single submitter. Criteria: Myriad Autosomal Dominant, Autosomal Recessive and X-Linked Classification Criteria (2023). Collection method: clinical testing. Allele origin: unknown.
Comment: This variant is considered benign. This variant is a silent/synonymous amino acid change and it is not expected to impact splicing.

Ambry Genetics
Classification: Likely benign for Hereditary cancer-predisposing syndrome. Last evaluated: 2020-08-26. Review status: criteria provided, single submitter. Criteria: Ambry Variant Classification Scheme 2023. Collection method: clinical testing. Allele origin: germline.